The following is an entry in ClinVar:

NC_000001.10:g.(?_94574113)_(94578642_?)del

Gene: ABCA4 (ATP binding cassette subfamily A member 4; minus strand). Cytogenetic location: 1p22.1.
Variant type: Deletion.
Identifiers: ClinVar variation 2422946 (VCV002422946.4).

ClinVar aggregate classification (germline): Pathogenic (1 of 4 stars; one submission).

Submission:

Labcorp Genetics (formerly Invitae), Labcorp
Classification: Pathogenic. Last evaluated: 2022-02-08. Review status: criteria provided, single submitter. Criteria: Invitae Variant Classification Sherloc (09022015). Collection method: clinical testing. Allele origin: germline.
Comment: For these reasons, this variant has been classified as Pathogenic. This variant has not been reported in the literature in individuals affected with ABCA4-related conditions. This variant is a gross deletion of the genomic region encompassing exon(s) 2-4 of the ABCA4 gene. This deletion is out-of-frame, and is expected to create a premature termination codon and result in an absent or disrupted protein product. Loss-of-function variants in ABCA4 are known to be pathogenic (PMID: 10958761, 24938718, 25312043, 26780318).

Literature cited by the submitters: PubMed 10958761; PubMed 24938718; PubMed 25312043; PubMed 26780318.